The following is an entry in ClinVar:

ClinVar aggregate classification (germline): Uncertain significance. Review status: criteria provided, multiple submitters, no conflicts (2 of 4 stars). 3 submissions from 3 submitters: Uncertain significance (3). Last evaluated 2024-05-18.

Allele frequency attached by ClinVar (database versions not stated): TOPMed 0.00003; gnomAD exomes 0.00004; gnomAD 0.00005; ExAC 0.00006.
gnomAD v4.1: 60 of 1,608,202 alleles (0.0037%); highest among the groups gnomAD compares: South Asian, 0.0033%; no homozygotes.

Submissions (3):

Labcorp Genetics (formerly Invitae), Labcorp
Classification: Uncertain significance. Last evaluated: 2024-05-18. Review status: criteria provided, single submitter. Criteria: Invitae Variant Classification Sherloc (09022015). Collection method: clinical testing. Allele origin: germline.
Comment: This sequence change replaces leucine, which is neutral and non-polar, with valine, which is neutral and non-polar, at codon 95 of the YME1L1 protein (p.Leu95Val). This variant is present in population databases (rs774202908, gnomAD 0.06%). This variant has not been reported in the literature in individuals affected with YME1L1-related conditions. An algorithm developed to predict the effect of missense changes on protein structure and function (PolyPhen-2) suggests that this variant is likely to be tolerated. In summary, the available evidence is currently insufficient to determine the role of this variant in disease. Therefore, it has been classified as a Variant of Uncertain Significance.

Blueprint Genetics
Classification: Uncertain significance. Last evaluated: 2023-10-24. Review status: criteria provided, single submitter. Criteria: ACMG Guidelines, 2015. Collection method: clinical testing. Allele origin: germline.

Ambry Genetics
Classification: Uncertain significance. Last evaluated: 2023-10-13. Review status: criteria provided, single submitter. Criteria: Ambry Variant Classification Scheme 2023. Collection method: clinical testing. Allele origin: germline.

NM_014263.4(YME1L1):c.168+1352T>G

Gene: YME1L1 (YME1 like 1 ATPase; minus strand). Cytogenetic location: 10p12.1.
Variant type: single nucleotide variant.
Coding change: c.168+1352T>G on transcript NM_014263.4 (MANE Select); 1352 bases into the intron after coding-DNA position 168, T replaced by G.
Molecular consequence: intron variant. On other transcripts: missense variant (1).
Genome position (GRCh38, 1-based): chr10:27,147,554, A>C on the plus strand (T>G on the coding strand, the complement: YME1L1 is on the minus strand). VCF-style: chr10-27147554-A-C. GRCh37 (hg19) VCF-style: chr10-27436483-A-C.
Other names: c.283T>G, p.Leu95Val (NM_139312.3); c.168+1352T>G (NM_001253866.2); short protein forms L95V.
Identifiers: ClinVar variation 3191615 (VCV003191615.4), dbSNP rs774202908, ClinGen allele CA5449718.